The following is an entry in ClinVar:

NC_000009.11:g.(?_111640255)_(111662675_?)del

Gene: ELP1 (elongator acetyltransferase complex subunit 1; minus strand). Cytogenetic location: 9q31.3.
Variant type: Deletion.
Identifiers: ClinVar variation 3245322 (VCV003245322.1).

ClinVar aggregate classification (germline): Pathogenic (1 of 4 stars; one submission).

Submission:

Labcorp Genetics (formerly Invitae), Labcorp
Classification: Pathogenic. Last evaluated: 2023-04-29. Review status: criteria provided, single submitter. Criteria: Invitae Variant Classification Sherloc (09022015). Collection method: clinical testing. Allele origin: unknown.
Comment: For these reasons, this variant has been classified as Pathogenic. This variant has not been reported in the literature in individuals affected with ELP1-related conditions. This variant is a gross deletion of the genomic region encompassing exon(s) 19-35 of the ELP1 gene. This deletion is out-of-frame, and is expected to create a premature termination codon and result in an absent or disrupted protein product. Loss-of-function variants in ELP1 are known to be pathogenic (PMID: 18303054, 24173031).

Literature cited by the submitters: PubMed 18303054; PubMed 24173031.